The following is an entry in ClinVar:

NM_000077.5(CDKN2A):c.455C>G (p.Ser152Ter)

Gene: CDKN2A (cyclin dependent kinase inhibitor 2A; minus strand). Cytogenetic location: 9p21.3.
Variant type: single nucleotide variant.
Coding change: c.455C>G on transcript NM_000077.5; coding-DNA position 455, C replaced by G.
Protein change: p.Ser152Ter; replaces serine 152 with a stop codon.
Molecular consequence: nonsense (on NM_000077.6). On other transcripts: 3 prime UTR variant (2).
Genome position (GRCh38, 1-based): chr9:21,970,904, G>C on the plus strand (C>G on the coding strand, the complement: CDKN2A is on the minus strand). VCF-style: chr9-21970904-G-C. GRCh37 (hg19) VCF-style: chr9-21970903-G-C.
Other names: c.455C>G, p.Ser152Ter (NM_000077.6, NM_001195132.2); c.302C>G, p.Ser101Ter (NM_001363763.2); c.*99C>G (NM_058195.4); c.*378C>G (NM_058197.5); short protein forms S101*, S152*.
Identifiers: ClinVar variation 3230259 (VCV003230259.1), dbSNP rs868443488, ClinGen allele CA373085809.

ClinVar aggregate classification (germline): Uncertain significance (1 of 4 stars; one submission).

Conditions:
Hereditary cancer-predisposing syndrome. Also called: Tumor predisposition; Hereditary Cancer Syndrome; Hereditary neoplastic syndrome; Neoplastic Syndromes, Hereditary. Identifiers: Orphanet 140162, MedGen C0027672, MeSH D009386, MONDO:0015356.

Submission:

Ambry Genetics
Classification: Uncertain significance for Hereditary cancer-predisposing syndrome. Last evaluated: 2023-10-19. Review status: criteria provided, single submitter. Criteria: Ambry Variant Classification Scheme 2023. Collection method: clinical testing. Allele origin: germline.
Comment: The p.S152* variant (also known as c.455C>G), located in coding exon 2 of the CDKN2A gene, results from a C to G substitution at nucleotide position 455. This changes the amino acid from a serine to a stop codon within coding exon 2. This alteration occurs at the 3' terminus of CDKN2A gene, is not expected to trigger nonsense-mediated mRNAdecay, and only impacts the last 5 amino acids of the protein. The exact functional effect of this alteration is unknown. Since supporting evidence is limited at this time, the clinical significance of this alteration remains unclear.